The following is an entry in ClinVar:

ClinVar aggregate classification (germline): Uncertain significance. Review status: criteria provided, multiple submitters, no conflicts (2 of 4 stars). 3 submissions from 3 submitters: Uncertain significance (3). Last evaluated 2025-06-29.

Conditions:
Hereditary cancer-predisposing syndrome. Also called: Neoplastic Syndromes, Hereditary; Tumor predisposition; Hereditary Cancer Syndrome; Hereditary neoplastic syndrome. Identifiers: Orphanet 140162, MedGen C0027672, MeSH D009386, MONDO:0015356.
BAP1-related tumor predisposition syndrome (TPDS1). Also called: BAP1 tumor predisposition syndrome; Tumor susceptibility linked to germline BAP1 mutations; COMMON Syndrome; TUMOR PREDISPOSITION SYNDROME 1. Identifiers: Orphanet 289539, MedGen C3280492, MONDO:0013692, OMIM 614327.

Allele frequency attached by ClinVar (database versions not stated): gnomAD exomes below 0.00001.
gnomAD v4.1: 1 of 1,614,198 alleles (0.000062%); highest among the groups gnomAD compares: Non-Finnish European, 0.000085%; no homozygotes.

Submissions (3):

Labcorp Genetics (formerly Invitae), Labcorp
Classification: Uncertain significance for BAP1-related tumor predisposition syndrome. Last evaluated: 2025-06-29. Review status: criteria provided, single submitter. Criteria: Invitae Variant Classification Sherloc (09022015). Collection method: clinical testing. Allele origin: germline.
Comment: This sequence change replaces glutamine, which is neutral and polar, with arginine, which is basic and polar, at codon 253 of the BAP1 protein (p.Gln253Arg). This variant is not present in population databases (gnomAD no frequency). This variant has not been reported in the literature in individuals affected with BAP1-related conditions. ClinVar contains an entry for this variant (Variation ID: 1759645). Invitae Evidence Modeling of protein sequence and biophysical properties (such as structural, functional, and spatial information, amino acid conservation, physicochemical variation, residue mobility, and thermodynamic stability) indicates that this missense variant is not expected to disrupt BAP1 protein function with a negative predictive value of 80%. In summary, the available evidence is currently insufficient to determine the role of this variant in disease. Therefore, it has been classified as a Variant of Uncertain Significance.

Color Diagnostics, LLC DBA Color Health
Classification: Uncertain significance for Hereditary cancer-predisposing syndrome. Last evaluated: 2025-03-09. Review status: criteria provided, single submitter. Criteria: ACMG Guidelines, 2015. Collection method: clinical testing. Allele origin: germline.
Comment: This missense variant replaces glutamine with arginine at codon 253 of the BAP1 protein. Computational prediction suggests that this variant may not impact protein structure and function (internally defined REVEL score threshold <= 0.5, PMID: 27666373). To our knowledge, functional studies have not been reported for this variant. This variant has not been reported in individuals affected with BAP1-related disorders in the literature. This variant has not been identified in the general population by the Genome Aggregation Database (gnomAD). The available evidence is insufficient to determine the role of this variant in disease conclusively. Therefore, this variant is classified as a Variant of Uncertain Significance.

Ambry Genetics
Classification: Uncertain significance for Hereditary cancer-predisposing syndrome. Last evaluated: 2023-06-30. Review status: criteria provided, single submitter. Criteria: Ambry Variant Classification Scheme 2023. Collection method: clinical testing. Allele origin: germline.
Comment: The p.Q253R variant (also known as c.758A>G), located in coding exon 9 of the BAP1 gene, results from an A to G substitution at nucleotide position 758. The glutamine at codon 253 is replaced by arginine, an amino acid with highly similar properties. This amino acid position is highly conserved in available vertebrate species. In addition, the in silico prediction for this alteration is inconclusive. Since supporting evidence is limited at this time, the clinical significance of this alteration remains unclear.

NM_004656.4(BAP1):c.758A>G (p.Gln253Arg)

Gene: BAP1 (BRCA1 associated deubiquitinase 1; minus strand). Cytogenetic location: 3p21.1.
Variant type: single nucleotide variant.
Coding change: c.758A>G on transcript NM_004656.4 (MANE Select); coding-DNA position 758, A replaced by G.
Protein change: p.Gln253Arg; replaces glutamine 253 with arginine.
Molecular consequence: missense variant.
Genome position (GRCh38, 1-based): chr3:52,406,278, T>C on the plus strand (A>G on the coding strand, the complement: BAP1 is on the minus strand). VCF-style: chr3-52406278-T-C. GRCh37 (hg19) VCF-style: chr3-52440294-T-C.
Other names: c.704A>G, p.Gln235Arg (NM_001410772.1); short protein forms Q235R, Q253R.
Identifiers: ClinVar variation 1759645 (VCV001759645.9), dbSNP rs2153227435, ClinGen allele CA353107103.